The following is an entry in ClinVar:

ClinVar aggregate classification (germline): Uncertain significance (1 of 4 stars; one submission).

Allele frequency attached by ClinVar (database versions not stated): ExAC 0.00001.
gnomAD v4.1: 10 of 1,614,222 alleles (0.00062%); highest among the groups gnomAD compares: Middle Eastern, 0.016%; no homozygotes.

Submission:

Labcorp Genetics (formerly Invitae), Labcorp
Classification: Uncertain significance. Last evaluated: 2023-10-03. Review status: criteria provided, single submitter. Criteria: Invitae Variant Classification Sherloc (09022015). Collection method: clinical testing. Allele origin: germline.
Comment: This sequence change replaces leucine, which is neutral and non-polar, with isoleucine, which is neutral and non-polar, at codon 34 of the NARS2 protein (p.Leu34Ile). The frequency data for this variant in the population databases is considered unreliable, as metrics indicate poor data quality at this position in the gnomAD database. This variant has not been reported in the literature in individuals affected with NARS2-related conditions. Advanced modeling of protein sequence and biophysical properties (such as structural, functional, and spatial information, amino acid conservation, physicochemical variation, residue mobility, and thermodynamic stability) performed at Invitae indicates that this missense variant is not expected to disrupt NARS2 protein function. In summary, the available evidence is currently insufficient to determine the role of this variant in disease. Therefore, it has been classified as a Variant of Uncertain Significance.

NM_024678.6(NARS2):c.100C>A (p.Leu34Ile)

Gene: NARS2 (asparaginyl-tRNA synthetase 2, mitochondrial; minus strand). Cytogenetic location: 11q14.1.
Variant type: single nucleotide variant.
Coding change: c.100C>A on transcript NM_024678.6 (MANE Select); coding-DNA position 100, C replaced by A.
Protein change: p.Leu34Ile; replaces leucine 34 with isoleucine.
Molecular consequence: missense variant. On other transcripts: intron variant (1).
Genome position (GRCh38, 1-based): chr11:78,574,389, G>T on the plus strand (C>A on the coding strand, the complement: NARS2 is on the minus strand). VCF-style: chr11-78574389-G-T. GRCh37 (hg19) VCF-style: chr11-78285434-G-T.
Other names: c.100C>A, p.Leu34Ile (NM_001425299.1, NM_001425300.1, NM_001425301.1 and 8 more transcripts); c.-457C>A (NM_001425311.1); c.-541+440C>A (NM_001243251.2); short protein forms L34I.
Identifiers: ClinVar variation 2894746 (VCV002894746.3), dbSNP rs532494846, ClinGen allele CA6205976.